The following is an entry in ClinVar:

ClinVar aggregate classification (germline): Conflicting classifications of pathogenicity. Review status: criteria provided, conflicting classifications (1 of 4 stars). 4 submissions from 4 submitters: Uncertain significance (1); Likely benign (3). Last evaluated 2026-01-28.

Conditions:
RFT1-congenital disorder of glycosylation (CDG1N). Also called: CDG In; Congenital disorder of glycosylation type In; RFT1-CDG. Identifiers: Orphanet 244310, MedGen C2677590, MONDO:0012783, OMIM 612015.

Allele frequency attached by ClinVar (database versions not stated): TOPMed 0.00113; ESP Exome Variant Server 0.00131; 1000 Genomes Project 0.00060; 1000 Genomes Project 30x 0.00078; gnomAD exomes 0.00101; gnomAD 0.00108 and 0.00109; ExAC 0.00111.
gnomAD v4.1: 2,295 of 1,613,460 alleles (0.14%); highest among the groups gnomAD compares: Non-Finnish European, 0.17%; 3 homozygotes.

Submissions (4):

Labcorp Genetics (formerly Invitae), Labcorp
Classification: Likely benign for RFT1-congenital disorder of glycosylation. Last evaluated: 2026-01-28. Review status: criteria provided, single submitter. Criteria: Invitae Variant Classification Sherloc (09022015). Collection method: clinical testing. Allele origin: germline.

Blueprint Genetics
Classification: Likely benign. Last evaluated: 2024-11-21. Review status: criteria provided, single submitter. Criteria: ACMG Guidelines, 2015. Collection method: clinical testing. Allele origin: germline.

GeneDx
Classification: Likely benign. Last evaluated: 2018-01-31. Review status: criteria provided, single submitter. Criteria: GeneDx Variant Classification (06012015). Collection method: clinical testing. Allele origin: germline. Affected: yes.
Comment: This variant is considered likely benign or benign based on one or more of the following criteria: it is a conservative change, it occurs at a poorly conserved position in the protein, it is predicted to be benign by multiple in silico algorithms, and/or has population frequency not consistent with disease.

Illumina Laboratory Services, Illumina
Classification: Uncertain significance for RFT1-congenital disorder of glycosylation. Last evaluated: 2018-01-13. Review status: criteria provided, single submitter. Criteria: ICSL Variant Classification Criteria 13 December 2019. Collection method: clinical testing. Allele origin: germline.

NM_052859.4(RFT1):c.303C>G (p.Gly101=)

Gene: RFT1 (RFT1 glycolipid translocator homolog; minus strand). Cytogenetic location: 3p21.1.
Variant type: single nucleotide variant.
Coding change: c.303C>G on transcript NM_052859.4 (MANE Select); coding-DNA position 303, C replaced by G.
Protein change: p.Gly101=; no amino-acid change (glycine 101 retained).
Molecular consequence: synonymous variant.
Genome position (GRCh38, 1-based): chr3:53,122,527, G>C on the plus strand (C>G on the coding strand, the complement: RFT1 is on the minus strand). VCF-style: chr3-53122527-G-C. GRCh37 (hg19) VCF-style: chr3-53156543-G-C.
Identifiers: ClinVar variation 346198 (VCV000346198.16), dbSNP rs148576979, ClinGen allele CA2451480.